The following is an entry in ClinVar:

NM_015691.5(WWC3):c.1167C>T (p.Ala389=)

Gene: WWC3 (WWC family member 3; plus strand). Cytogenetic location: Xp22.2.
Variant type: single nucleotide variant.
Coding change: c.1167C>T on transcript NM_015691.5; coding-DNA position 1167, C replaced by T.
Protein change: p.Ala389=; no amino-acid change (alanine 389 retained).
Molecular consequence: synonymous variant.
Genome position (GRCh38, 1-based): chrX:10,109,838, C>T. VCF-style: chrX-10109838-C-T. GRCh37 (hg19) VCF-style: chrX-10077878-C-T.
Identifiers: ClinVar variation 2659961 (VCV002659961.24), dbSNP rs34250360, ClinGen allele CA10346266.

ClinVar aggregate classification (germline): Likely benign (1 of 4 stars; one submission).

Submission:

CeGaT Center for Human Genetics Tuebingen
Classification: Likely benign. Last evaluated: 2022-10-01. Review status: criteria provided, single submitter. Criteria: CeGaT Center For Human Genetics Tuebingen Variant Classification Criteria Version 2. Collection method: clinical testing. Allele origin: germline. Affected: yes. Observed: 1 variant allele.
Comment: WWC3: BP4, BP7